The following is an entry in ClinVar:

ClinVar aggregate classification (germline): Uncertain significance (1 of 4 stars; one submission).

Conditions:
Cardiovascular phenotype. Identifiers: MedGen CN230736.

Submission:

Ambry Genetics
Classification: Uncertain significance for Cardiovascular phenotype. Last evaluated: 2022-03-11. Review status: criteria provided, single submitter. Criteria: Ambry Variant Classification Scheme 2023. Collection method: clinical testing. Allele origin: germline.
Comment: The p.L182F variant (also known as c.544C>T), located in coding exon 5 of the GPD1L gene, results from a C to T substitution at nucleotide position 544. The leucine at codon 182 is replaced by phenylalanine, an amino acid with highly similar properties. This amino acid position is conserved. In addition, this alteration is predicted to be deleterious by in silico analysis. Since supporting evidence is limited at this time, the clinical significance of this alteration remains unclear.

NM_015141.4(GPD1L):c.544C>T (p.Leu182Phe)

Gene: GPD1L (glycerol-3-phosphate dehydrogenase 1 like; plus strand). Cytogenetic location: 3p22.3.
Variant type: single nucleotide variant.
Coding change: c.544C>T on transcript NM_015141.4 (MANE Select); coding-DNA position 544, C replaced by T.
Protein change: p.Leu182Phe; replaces leucine 182 with phenylalanine.
Molecular consequence: missense variant.
Genome position (GRCh38, 1-based): chr3:32,146,660, C>T. VCF-style: chr3-32146660-C-T. GRCh37 (hg19) VCF-style: chr3-32188152-C-T.
Other names: short protein forms L182F.
Identifiers: ClinVar variation 1747595 (VCV001747595.2), dbSNP rs2471405947, ClinGen allele CA351967417.